The following is an entry in ClinVar:

NM_014140.4(SMARCAL1):c.1602G>T (p.Lys534Asn)

Gene: SMARCAL1 (SNF2 related chromatin remodeling annealing helicase 1; plus strand). Cytogenetic location: 2q35.
Variant type: single nucleotide variant.
Coding change: c.1602G>T on transcript NM_014140.4 (MANE Select); coding-DNA position 1602, G replaced by T.
Protein change: p.Lys534Asn; replaces lysine 534 with asparagine.
Molecular consequence: missense variant.
Genome position (GRCh38, 1-based): chr2:216,435,454, G>T. VCF-style: chr2-216435454-G-T. GRCh37 (hg19) VCF-style: chr2-217300177-G-T.
Other names: c.1602G>T, p.Lys534Asn (NM_001127207.2); c.1602G>T (NM_014140.3); short protein forms K534N.
Identifiers: ClinVar variation 1425009 (VCV001425009.6), dbSNP rs1694060940, ClinGen allele CA350500538.

ClinVar aggregate classification (germline): Uncertain significance. Review status: criteria provided, multiple submitters, no conflicts (2 of 4 stars). 2 submissions from 2 submitters: Uncertain significance (2). Last evaluated 2024-11-08.

Conditions:
Schimke immuno-osseous dysplasia (SIOD). Also called: Schimke Immunoosseous Dysplasia. Identifiers: Orphanet 1830, MedGen C0877024, MONDO:0009458, OMIM 242900.
Inborn genetic diseases. Identifiers: MedGen C0950123, MeSH D030342.

Allele frequency attached by ClinVar (database versions not stated): gnomAD 0.00001; TOPMed 0.00001.
gnomAD v4.1: 3 of 1,614,066 alleles (0.00019%); highest among the groups gnomAD compares: African/African-American, 0.0027%; no homozygotes.

Submissions (2):

Ambry Genetics
Classification: Uncertain significance for Inborn genetic diseases. Last evaluated: 2024-11-08. Review status: criteria provided, single submitter. Criteria: Ambry Variant Classification Scheme 2023. Collection method: clinical testing. Allele origin: germline.

Labcorp Genetics (formerly Invitae), Labcorp
Classification: Uncertain significance for Schimke immuno-osseous dysplasia. Last evaluated: 2021-09-24. Review status: criteria provided, single submitter. Criteria: Invitae Variant Classification Sherloc (09022015). Collection method: clinical testing. Allele origin: germline.
Comment: This sequence change replaces lysine with asparagine at codon 534 of the SMARCAL1 protein (p.Lys534Asn). The lysine residue is moderately conserved and there is a moderate physicochemical difference between lysine and asparagine. This variant is not present in population databases (ExAC no frequency). This variant has not been reported in the literature in individuals with SMARCAL1-related conditions. Algorithms developed to predict the effect of missense changes on protein structure and function are either unavailable or do not agree on the potential impact of this missense change (SIFT: "Tolerated"; PolyPhen-2: "Probably Damaging"; Align-GVGD: "Class C0"). In summary, the available evidence is currently insufficient to determine the role of this variant in disease. Therefore, it has been classified as a Variant of Uncertain Significance.